The following is an entry in ClinVar:

NM_006265.3(RAD21):c.144+5G>A

Gene: RAD21 (RAD21 cohesin complex component; minus strand). Cytogenetic location: 8q24.11.
Variant type: single nucleotide variant.
Coding change: c.144+5G>A on transcript NM_006265.3 (MANE Select); 5 bases into the intron after coding-DNA position 144, G replaced by A.
Molecular consequence: intron variant.
Genome position (GRCh38, 1-based): chr8:116,866,581, C>T on the plus strand (G>A on the coding strand, the complement: RAD21 is on the minus strand). VCF-style: chr8-116866581-C-T. GRCh37 (hg19) VCF-style: chr8-117878820-C-T.
Identifiers: ClinVar variation 2002294 (VCV002002294.4), dbSNP rs2537308905, ClinGen allele CA2580078532.

ClinVar aggregate classification (germline): Uncertain significance (1 of 4 stars; one submission).

Conditions:
Cornelia de Lange syndrome 4 (CDLS4). Also called: RAD21-Related Cornelia de Lange Syndrome; CORNELIA DE LANGE SYNDROME 4 WITH OR WITHOUT MIDLINE BRAIN DEFECTS. Identifiers: Orphanet 199, MedGen C3553517, MONDO:0013864, OMIM 614701.

Submission:

Labcorp Genetics (formerly Invitae), Labcorp
Classification: Uncertain significance for Cornelia de Lange syndrome 4. Last evaluated: 2022-11-07. Review status: criteria provided, single submitter. Criteria: Invitae Variant Classification Sherloc (09022015). Collection method: clinical testing. Allele origin: germline.
Comment: In summary, the available evidence is currently insufficient to determine the role of this variant in disease. Therefore, it has been classified as a Variant of Uncertain Significance. This sequence change falls in intron 2 of the RAD21 gene. It does not directly change the encoded amino acid sequence of the RAD21 protein. It affects a nucleotide within the consensus splice site. This variant is not present in population databases (gnomAD no frequency). This variant has not been reported in the literature in individuals affected with RAD21-related conditions. Variants that disrupt the consensus splice site are a relatively common cause of aberrant splicing (PMID: 17576681, 9536098). Algorithms developed to predict the effect of sequence changes on RNA splicing suggest that this variant is not likely to affect RNA splicing.

Literature cited by the submitters: PubMed 17576681; PubMed 9536098.